The following is an entry in ClinVar:

ClinVar aggregate classification (germline): Uncertain significance (1 of 4 stars; one submission).

Allele frequency attached by ClinVar (database versions not stated): gnomAD exomes 0.00002; TOPMed 0.00002; gnomAD 0.00003.

Submission:

Labcorp Genetics (formerly Invitae), Labcorp
Classification: Uncertain significance. Last evaluated: 2022-09-25. Review status: criteria provided, single submitter. Criteria: Invitae Variant Classification Sherloc (09022015). Collection method: clinical testing. Allele origin: germline.
Comment: This sequence change replaces glutamic acid, which is acidic and polar, with aspartic acid, which is acidic and polar, at codon 1571 of the WDR87 protein (p.Glu1571Asp). This variant is present in population databases (no rsID available, gnomAD 0.005%). This variant has not been reported in the literature in individuals affected with WDR87-related conditions. Algorithms developed to predict the effect of missense changes on protein structure and function are either unavailable or do not agree on the potential impact of this missense change (SIFT: "Tolerated"; PolyPhen-2: "Possibly Damaging"; Align-GVGD: "Class C0"). In summary, the available evidence is currently insufficient to determine the role of this variant in disease. Therefore, it has been classified as a Variant of Uncertain Significance.

NM_001291088.2(WDR87):c.4830A>C (p.Glu1610Asp)

Gene: WDR87 (WD repeat domain 87; minus strand). Cytogenetic location: 19q13.13.
Variant type: single nucleotide variant.
Coding change: c.4830A>C on transcript NM_001291088.2 (MANE Select); coding-DNA position 4830, A replaced by C.
Protein change: p.Glu1610Asp; replaces glutamic acid 1610 with aspartic acid.
Molecular consequence: missense variant.
Genome position (GRCh38, 1-based): chr19:37,888,841, T>G on the plus strand (A>C on the coding strand, the complement: WDR87 is on the minus strand). VCF-style: chr19-37888841-T-G. GRCh37 (hg19) VCF-style: chr19-38379481-T-G.
Other names: c.4713A>C, p.Glu1571Asp (NM_031951.5); short protein forms E1571D, E1610D.
Identifiers: ClinVar variation 2163766 (VCV002163766.4), dbSNP rs1482849888, ClinGen allele CA405607694.